The following is an entry in ClinVar:

NM_006019.4(TCIRG1):c.1463+1G>T

Gene: TCIRG1 (T cell immune regulator 1, ATPase H+ transporting V0 subunit a3; plus strand). Cytogenetic location: 11q13.2.
Variant type: single nucleotide variant.
Coding change: c.1463+1G>T on transcript NM_006019.4 (MANE Select); the canonical splice donor site of the intron after coding-DNA position 1463, G replaced by T.
Molecular consequence: splice donor variant.
Genome position (GRCh38, 1-based): chr11:68,047,805, G>T. VCF-style: chr11-68047805-G-T. GRCh37 (hg19) VCF-style: chr11-67815272-G-T.
Other names: c.815+1G>T (NM_006053.4); c.569+1G>T (NM_001351059.2).
Identifiers: ClinVar variation 1493797 (VCV001493797.6), dbSNP rs2134455719, ClinGen allele CA381584359.

ClinVar aggregate classification (germline): Likely pathogenic (1 of 4 stars; one submission).

Submission:

Labcorp Genetics (formerly Invitae), Labcorp
Classification: Likely pathogenic. Last evaluated: 2021-09-16. Review status: criteria provided, single submitter. Criteria: Invitae Variant Classification Sherloc (09022015). Collection method: clinical testing. Allele origin: germline.
Comment: In summary, the currently available evidence indicates that the variant is pathogenic, but additional data are needed to prove that conclusively. Therefore, this variant has been classified as Likely Pathogenic. Algorithms developed to predict the effect of sequence changes on RNA splicing suggest that this variant may disrupt the consensus splice site. This variant has not been reported in the literature in individuals affected with TCIRG1-related conditions. This variant is not present in population databases (ExAC no frequency). This sequence change affects a donor splice site in intron 12 of the TCIRG1 gene. It is expected to disrupt RNA splicing. Variants that disrupt the donor or acceptor splice site typically lead to a loss of protein function (PMID: 16199547), and loss-of-function variants in TCIRG1 are known to be pathogenic (PMID: 10888887, 10942435, 11532986, 19448635).

Literature cited by the submitters: PubMed 16199547; PubMed 10888887; PubMed 10942435; PubMed 11532986; PubMed 19448635.